The following is an entry in ClinVar:

NM_001437.3(ESR2):c.541_543del (p.Asn181del)

Gene: ESR2 (estrogen receptor 2; minus strand). Cytogenetic location: 14q23.2.
Variant type: Deletion.
Coding change: c.541_543del on transcript NM_001437.3 (MANE Select); coding-DNA positions 541 to 543, 3 bases deleted (AAT; older notation c.541_543delAAT).
Protein change: p.Asn181del; deletes asparagine 181.
Molecular consequence: inframe deletion. On other transcripts: non-coding transcript variant (2).
Genome position (GRCh38, 1-based): chr14:64,268,904-64,268,906, ATT deleted on the plus strand (AAT on the coding strand, the reverse complement: ESR2 is on the minus strand); deleting any 3 consecutive bases within chr14:64,268,904-64,268,908 gives the same sequence; the c. name uses the placement nearest the transcript's 3' end. VCF-style (leftmost placement, unchanged base first): chr14-64268903-CATT-C. GRCh37 (hg19) VCF-style: chr14-64735621-CATT-C.
Other names: c.541_543del, p.Asn181del (NM_001040275.1, NM_001214902.1, NM_001271876.1 and 3 more transcripts); short protein forms N181del.
Identifiers: ClinVar variation 590786 (VCV000590786.31), dbSNP rs750091675, ClinGen allele CA7225546.

ClinVar aggregate classification (germline): Conflicting classifications of pathogenicity. Review status: criteria provided, conflicting classifications (1 of 4 stars). 3 submissions from 3 submitters: Uncertain significance (1); Benign (1). 1 of the submissions does not count toward it. Last evaluated 2025-12-17.

Submissions (3):

Labcorp Genetics (formerly Invitae), Labcorp
Classification: Uncertain significance. Last evaluated: 2025-12-17. Review status: criteria provided, single submitter. Criteria: Invitae Variant Classification Sherloc (09022015). Collection method: clinical testing. Allele origin: germline.
Comment: This variant, c.541_543del, results in the deletion of 1 amino acid(s) of the ESR2 protein (p.Asn181del), but otherwise preserves the integrity of the reading frame. This variant is present in population databases (rs750091675, gnomAD 0.1%), and has an allele count higher than expected for a pathogenic variant. This variant has been observed in individual(s) with disorders of sex development (PMID: 29261182). ClinVar contains an entry for this variant (Variation ID: 590786). Algorithms developed to predict the effect of variants on gene product structure and function are not available or were not evaluated for this variant. Experimental studies have shown that this variant affects ESR2 function (PMID: 29261182). In summary, the available evidence is currently insufficient to determine the role of this variant in disease. Therefore, it has been classified as a Variant of Uncertain Significance.

CeGaT Center for Human Genetics Tuebingen
Classification: Benign. Last evaluated: 2023-02-01. Review status: criteria provided, single submitter. Criteria: CeGaT Center For Human Genetics Tuebingen Variant Classification Criteria Version 2. Collection method: clinical testing. Allele origin: germline. Affected: yes. Observed: 1 variant allele.
Comment: ESR2: BS1, BS2

OMIM
Classification: Uncertain significance for VARIANT OF UNKNOWN SIGNIFICANCE. Last evaluated: 2019-01-09. Review status: no assertion criteria provided. Collection method: literature only. Allele origin: germline. Not counted in ClinVar's aggregate classification.

Literature cited by the submitters: PubMed 29261182 (cited by Labcorp Genetics (formerly Invitae), Labcorp and OMIM).